The following is an entry in ClinVar:

ClinVar aggregate classification (germline): Uncertain significance (1 of 4 stars; one submission).

Conditions:
Autosomal recessive distal spinal muscular atrophy 1. Also called: NEURONOPATHY, DISTAL HEREDITARY MOTOR, HARDING TYPE VI; NEUROPATHY, DISTAL HEREDITARY MOTOR, AUTOSOMAL RECESSIVE 1; Spinal muscular atrophy with respiratory distress 1; NEURONOPATHY, SEVERE INFANTILE AXONAL, WITH RESPIRATORY FAILURE; SEVERE INFANTILE AXONAL NEUROPATHY WITH RESPIRATORY FAILURE; SPINAL MUSCULAR ATROPHY, DIAPHRAGMATIC. Identifiers: Orphanet 98920, MedGen C1858517, MONDO:0011436, OMIM 604320.
Charcot-Marie-Tooth disease axonal type 2S. Also called: CHARCOT-MARIE-TOOTH NEUROPATHY, TYPE 2S; CHARCOT-MARIE-TOOTH DISEASE, AXONAL, AUTOSOMAL RECESSIVE, TYPE 2S. Identifiers: Orphanet 443073, MedGen C4015349, MONDO:0014511, OMIM 616155.

Submission:

Labcorp Genetics (formerly Invitae), Labcorp
Classification: Uncertain significance for Autosomal recessive distal spinal muscular atrophy 1; Charcot-Marie-Tooth disease axonal type 2S. Last evaluated: 2022-10-05. Review status: criteria provided, single submitter. Criteria: Invitae Variant Classification Sherloc (09022015). Collection method: clinical testing. Allele origin: germline.
Comment: This variant has not been reported in the literature in individuals affected with IGHMBP2-related conditions. This variant is not present in population databases (gnomAD no frequency). This sequence change replaces aspartic acid, which is acidic and polar, with glycine, which is neutral and non-polar, at codon 249 of the IGHMBP2 protein (p.Asp249Gly). Advanced modeling of protein sequence and biophysical properties (such as structural, functional, and spatial information, amino acid conservation, physicochemical variation, residue mobility, and thermodynamic stability) performed at Invitae indicates that this missense variant is expected to disrupt IGHMBP2 protein function. In summary, the available evidence is currently insufficient to determine the role of this variant in disease. Therefore, it has been classified as a Variant of Uncertain Significance.

NM_002180.3(IGHMBP2):c.746A>G (p.Asp249Gly)

Gene: IGHMBP2 (immunoglobulin mu DNA binding protein 2; plus strand). Cytogenetic location: 11q13.3.
Variant type: single nucleotide variant.
Coding change: c.746A>G on transcript NM_002180.3 (MANE Select); coding-DNA position 746, A replaced by G.
Protein change: p.Asp249Gly; replaces aspartic acid 249 with glycine.
Molecular consequence: missense variant.
Genome position (GRCh38, 1-based): chr11:68,914,857, A>G. VCF-style: chr11-68914857-A-G. GRCh37 (hg19) VCF-style: chr11-68682325-A-G.
Other names: short protein forms D249G.
Identifiers: ClinVar variation 1975553 (VCV001975553.5), dbSNP rs2495980973, ClinGen allele CA381644284.
Genomic context (GRCh38, chr11:68,914,857, plus strand): 5'-ACCAGATCCTAACTTGCGGTTCCCAGGTTCTGTGCTGCGCCCCCTCCAACATCGCCGTGG[A>G]CAATCTGGTGGAGCGCCTGGCTCTGTGTAAGCAGCGGATTCTGCGCCTGGGACACCCTGC-3'
Protein context (NP_002171.2, residues 239-259): LCCAPSNIAV[Asp249Gly]NLVERLALCK